The following is an entry in ClinVar:

NM_015915.5(ATL1):c.55T>A (p.Tyr19Asn)

Gene: ATL1 (atlastin GTPase 1; plus strand). Cytogenetic location: 14q22.1.
Variant type: single nucleotide variant.
Coding change: c.55T>A on transcript NM_015915.5 (MANE Select); coding-DNA position 55, T replaced by A.
Protein change: p.Tyr19Asn; replaces tyrosine 19 with asparagine.
Molecular consequence: missense variant.
Genome position (GRCh38, 1-based): chr14:50,587,851, T>A. VCF-style: chr14-50587851-T-A. GRCh37 (hg19) VCF-style: chr14-51054569-T-A.
Other names: c.55T>A, p.Tyr19Asn (NM_001127713.1, NM_181598.4); short protein forms Y19N.
Identifiers: ClinVar variation 2011412 (VCV002011412.4), dbSNP rs2504484194, ClinGen allele CA389665172.

ClinVar aggregate classification (germline): Uncertain significance (1 of 4 stars; one submission).

Conditions:
Hereditary spastic paraplegia 3A (SPG3A). Also called: Spastic Paraplegia 3A; SPASTIC PARAPLEGIA 3, AUTOSOMAL DOMINANT; FAMILIAL SPASTIC PARAPLEGIA, AUTOSOMAL DOMINANT, 1; SPG3; STRUMPELL DISEASE; Spastic paraplegia 3A, autosomal dominant. Identifiers: Orphanet 100984, MedGen C2931355, MONDO:0008437, OMIM 182600.

Submission:

Labcorp Genetics (formerly Invitae), Labcorp
Classification: Uncertain significance for Hereditary spastic paraplegia 3A. Last evaluated: 2022-06-27. Review status: criteria provided, single submitter. Criteria: Invitae Variant Classification Sherloc (09022015). Collection method: clinical testing. Allele origin: germline.
Comment: Advanced modeling of protein sequence and biophysical properties (such as structural, functional, and spatial information, amino acid conservation, physicochemical variation, residue mobility, and thermodynamic stability) performed at Invitae indicates that this missense variant is not expected to disrupt ATL1 protein function. This variant has not been reported in the literature in individuals affected with ATL1-related conditions. This variant is not present in population databases (gnomAD no frequency). This sequence change replaces tyrosine, which is neutral and polar, with asparagine, which is neutral and polar, at codon 19 of the ATL1 protein (p.Tyr19Asn). In summary, the available evidence is currently insufficient to determine the role of this variant in disease. Therefore, it has been classified as a Variant of Uncertain Significance.